The following is an entry in ClinVar:

NM_001363711.2(DUOX2):c.2965G>T (p.Glu989Ter)

Gene: DUOX2 (dual oxidase 2; minus strand). Cytogenetic location: 15q21.1.
Variant type: single nucleotide variant.
Coding change: c.2965G>T on transcript NM_001363711.2 (MANE Select); coding-DNA position 2965, G replaced by T.
Protein change: p.Glu989Ter; replaces glutamic acid 989 with a stop codon.
Molecular consequence: nonsense.
Genome position (GRCh38, 1-based): chr15:45,100,795, C>A on the plus strand (G>T on the coding strand, the complement: DUOX2 is on the minus strand). VCF-style: chr15-45100795-C-A. GRCh37 (hg19) VCF-style: chr15-45392993-C-A.
Other names: c.2965G>T, p.Glu989Ter (NM_014080.5); short protein forms E989*.
Identifiers: ClinVar variation 2761566 (VCV002761566.3), dbSNP rs753906391, ClinGen allele CA392264640.

ClinVar aggregate classification (germline): Pathogenic (1 of 4 stars; one submission).

Submission:

Labcorp Genetics (formerly Invitae), Labcorp
Classification: Pathogenic. Last evaluated: 2025-12-19. Review status: criteria provided, single submitter. Criteria: Invitae Variant Classification Sherloc (09022015). Collection method: clinical testing. Allele origin: germline.
Comment: This sequence change creates a premature translational stop signal (p.Glu989*) in the DUOX2 gene. It is expected to result in an absent or disrupted protein product. Loss-of-function variants in DUOX2 are known to be pathogenic (PMID: 12110737, 18765513, 21565790, 24423310, 24735383). This variant is not present in population databases (gnomAD no frequency). This variant has not been reported in the literature in individuals affected with DUOX2-related conditions. ClinVar contains an entry for this variant (Variation ID: 2761566). Algorithms developed to predict the effect of sequence changes on RNA splicing suggest that this variant may disrupt the consensus splice site. For these reasons, this variant has been classified as Pathogenic.

Literature cited by the submitters: PubMed 12110737; PubMed 18765513; PubMed 21565790; PubMed 24423310; PubMed 24735383.